The following is an entry in ClinVar:

ClinVar aggregate classification (germline): Uncertain significance (1 of 4 stars; one submission).

gnomAD v4.1: 1 of 1,614,200 alleles (0.000062%); highest among the groups gnomAD compares: Non-Finnish European, 0.000085%; no homozygotes.

Submission:

GeneDx
Classification: Uncertain significance. Last evaluated: 2023-06-04. Review status: criteria provided, single submitter. Criteria: GeneDx Variant Classification Process June 2021. Collection method: clinical testing. Allele origin: germline. Affected: yes.
Comment: Not observed at significant frequency in large population cohorts (gnomAD); In silico analysis supports that this missense variant has a deleterious effect on protein structure/function; Has not been previously published as pathogenic or benign to our knowledge

NM_012154.5(AGO2):c.152A>C (p.Lys51Thr)

Gene: AGO2 (argonaute RISC catalytic component 2; minus strand). Cytogenetic location: 8q24.3.
Variant type: single nucleotide variant.
Coding change: c.152A>C on transcript NM_012154.5 (MANE Select); coding-DNA position 152, A replaced by C.
Protein change: p.Lys51Thr; replaces lysine 51 with threonine.
Molecular consequence: missense variant.
Genome position (GRCh38, 1-based): chr8:140,585,182, T>G on the plus strand (A>C on the coding strand, the complement: AGO2 is on the minus strand). VCF-style: chr8-140585182-T-G. GRCh37 (hg19) VCF-style: chr8-141595281-T-G.
Other names: c.152A>C, p.Lys51Thr (NM_001164623.3); short protein forms K51T.
Identifiers: ClinVar variation 3359493 (VCV003359493.1).